The following is an entry in ClinVar:

ClinVar aggregate classification (germline): Conflicting classifications of pathogenicity. Review status: criteria provided, conflicting classifications (1 of 4 stars). 3 submissions from 3 submitters: Pathogenic (1); Uncertain significance (1). 1 of the submissions does not count toward it. Last evaluated 2019-04-02.

Conditions:
Cystic fibrosis (CF). Also called: MUCOVISCIDOSIS. Identifiers: Orphanet 586, MedGen C0010674, MONDO:0009061, OMIM 219700. Disease mechanism: loss of function.
CFTR-related disorder (CFTR-RD). Also called: CFTR-related disorders; CFTR-related condition. Identifiers: MedGen C5924204, MONDO:7770004.

Submissions (3):

Labcorp Genetics (formerly Invitae), Labcorp
Classification: Uncertain significance for Cystic fibrosis. Last evaluated: 2019-04-02. Review status: criteria provided, single submitter. Criteria: Invitae Variant Classification Sherloc (09022015). Collection method: clinical testing. Allele origin: germline.
Comment: This variant has not been reported in the literature in individuals with CFTR-related conditions. In summary, the available evidence is currently insufficient to determine the role of this variant in disease. Therefore, it has been classified as a Variant of Uncertain Significance. Nucleotide substitutions within the consensus splice site are a relatively common cause of aberrant splicing (PMID: 17576681, 9536098). Algorithms developed to predict the effect of sequence changes on RNA splicing suggest that this variant may disrupt the consensus splice site, but this prediction has not been confirmed by published transcriptional studies. This variant is not present in population databases (ExAC no frequency). This sequence change falls in intron 25 of the CFTR gene. It does not directly change the encoded amino acid sequence of the CFTR protein, but it affects a nucleotide within the consensus splice site of the intron.

CFTR-France
Classification: Pathogenic for cystic fibrosis. Last evaluated: 2018-01-29. Review status: criteria provided, single submitter. Criteria: Claustres M et al. (Hum Mutat 2017). Collection method: curation. Allele origin: germline. Affected: yes.

Natera, Inc.
Classification: Uncertain significance for CFTR-related disorders. Last evaluated: 2021-01-29. Review status: no assertion criteria provided. Collection method: clinical testing. Allele origin: germline. Not counted in ClinVar's aggregate classification.

Literature cited by the submitters: PubMed 17576681 (cited by Labcorp Genetics (formerly Invitae), Labcorp); PubMed 9536098 (cited by Labcorp Genetics (formerly Invitae), Labcorp).

NM_000492.4(CFTR):c.4136+5G>A

Gene: CFTR (CF transmembrane conductance regulator; plus strand). Cytogenetic location: 7q31.2.
Variant type: single nucleotide variant.
Coding change: c.4136+5G>A on transcript NM_000492.4 (MANE Select); 5 bases into the intron after coding-DNA position 4136, G replaced by A.
Molecular consequence: intron variant.
Genome position (GRCh38, 1-based): chr7:117,664,865, G>A. VCF-style: chr7-117664865-G-A. GRCh37 (hg19) VCF-style: chr7-117304919-G-A.
Identifiers: ClinVar variation 818126 (VCV000818126.11), dbSNP rs1584849005, ClinGen allele CA915945457.